The following is an entry in ClinVar:

NM_001267550.2(TTN):c.55732+3A>G

Genes: TTN (titin; minus strand), TTN-AS1 (TTN antisense RNA 1; plus strand). Cytogenetic location: 2q31.2.
Variant type: single nucleotide variant.
Coding change: c.55732+3A>G on transcript NM_001267550.2 (MANE Select); 3 bases into the intron after coding-DNA position 55732, A replaced by G.
Molecular consequence: intron variant.
Genome position (GRCh38, 1-based): chr2:178,601,262, T>C on the plus strand (A>G on the coding strand, the complement: TTN is on the minus strand). VCF-style: chr2-178601262-T-C. GRCh37 (hg19) VCF-style: chr2-179465989-T-C.
Other names: c.28537+3A>G (NM_003319.4); c.29113+3A>G (NM_133437.4); c.28912+3A>G (NM_133432.3); c.48028+3A>G (NM_133378.4); c.50809+3A>G (NM_001256850.1).
Identifiers: ClinVar variation 1059082 (VCV001059082.9), dbSNP rs2154192792, ClinGen allele CA2499215415.
Genomic context (GRCh38, chr2:178,601,262, plus strand): 5'-GTTGTTTATAATAATATACTTCAATTTTGAGAAGATATTTTAAATTTAGATTTTAAAGCT[T>C]ACATATCGGATCTCTGGCAGTGGTCCTCTGAATGGTTTCCACAGGTGGGCCAATACCAAA-3'

ClinVar aggregate classification (germline): Uncertain significance (1 of 4 stars; one submission).

Conditions:
Autosomal recessive limb-girdle muscular dystrophy type 2J (LGMDR10). Also called: MUSCULAR DYSTROPHY, LIMB-GIRDLE, AUTOSOMAL RECESSIVE 10; Limb-girdle muscular dystrophy, type 2J. Identifiers: Orphanet 140922, MedGen C1837342, MONDO:0012127, OMIM 608807.
Dilated cardiomyopathy 1G (CMD1G). Identifiers: Orphanet 154, MedGen C1858763, MONDO:0011400, OMIM 604145.

gnomAD v4.1: 1 of 1,534,642 alleles (0.000065%); no homozygotes.

Submission:

Labcorp Genetics (formerly Invitae), Labcorp
Classification: Uncertain significance for Dilated cardiomyopathy 1G; Autosomal recessive limb-girdle muscular dystrophy type 2J. Last evaluated: 2018-06-21. Review status: criteria provided, single submitter. Criteria: Invitae Variant Classification Sherloc (09022015). Collection method: clinical testing. Allele origin: germline.
Comment: This variant is located in the A band of TTN (PMID: 25589632). Variants in this region may be relevant for cardiac or neuromuscular disorders (PMID: 25589632, 23975875). In summary, the available evidence is currently insufficient to determine the role of this variant in disease. Therefore, it has been classified as a Variant of Uncertain Significance. Nucleotide substitutions within the consensus splice site are a relatively common cause of aberrant splicing (PMID: 17576681, 9536098). Algorithms developed to predict the effect of sequence changes on RNA splicing suggest that this variant may disrupt the consensus splice site, but this prediction has not been confirmed by published transcriptional studies. This variant has not been reported in the literature in individuals with TTN-related disease. This variant is not present in population databases (ExAC no frequency). This sequence change falls in intron 287 of the TTN gene. It does not directly change the encoded amino acid sequence of the TTN protein, but it affects a nucleotide within the consensus splice site of the intron.

Literature cited by the submitters: PubMed 25589632; PubMed 23975875; PubMed 17576681; PubMed 9536098.